The following is an entry in ClinVar:

ClinVar aggregate classification (germline): Conflicting classifications of pathogenicity. Review status: criteria provided, conflicting classifications (1 of 4 stars). 4 submissions from 4 submitters: Uncertain significance (3); Likely benign (1). Last evaluated 2026-05-13.

Conditions:
VCAN-related disorder. Also called: VCAN-related condition.
Inborn genetic diseases. Identifiers: MedGen C0950123, MeSH D030342.

Allele frequency attached by ClinVar (database versions not stated): gnomAD exomes 0.00002 and 0.00006; ExAC 0.00006; ESP Exome Variant Server 0.00008; gnomAD 0.00018 and 0.00019; TOPMed 0.00023.
gnomAD v4.1: 51 of 1,613,926 alleles (0.0032%); highest among the groups gnomAD compares: African/African-American, 0.065%; no homozygotes.

Submissions (4):

PreventionGenetics, part of Exact Sciences
Classification: Uncertain significance for VCAN-related condition. Last evaluated: 2026-05-13. Review status: criteria provided, single submitter. Criteria: ACMG Guidelines, 2015. Collection method: clinical testing. Allele origin: germline.
Comment: The VCAN c.6283G>A variant is predicted to result in the amino acid substitution p.Ala2095Thr. To our knowledge, this variant has not been reported in the literature. This variant is reported in 0.076% of alleles in individuals of African descent in gnomAD. At this time, the clinical significance of this variant is uncertain due to the absence of conclusive functional and genetic evidence.

Labcorp Genetics (formerly Invitae), Labcorp
Classification: Uncertain significance. Last evaluated: 2025-11-12. Review status: criteria provided, single submitter. Criteria: Invitae Variant Classification Sherloc (09022015). Collection method: clinical testing. Allele origin: germline.
Comment: This sequence change replaces alanine, which is neutral and non-polar, with threonine, which is neutral and polar, at codon 2095 of the VCAN protein (p.Ala2095Thr). This variant is present in population databases (rs147425694, gnomAD 0.07%), and has an allele count higher than expected for a pathogenic variant. This missense change has been observed in individual(s) with clinical features of retinitis pigmentosa (internal data). ClinVar contains an entry for this variant (Variation ID: 847446). An algorithm developed to predict the effect of missense changes on protein structure and function outputs the following: PolyPhen-2: "Benign". The threonine amino acid residue is found in multiple mammalian species, which suggests that this missense change does not adversely affect protein function. In summary, the available evidence is currently insufficient to determine the role of this variant in disease. Therefore, it has been classified as a Variant of Uncertain Significance.

Ambry Genetics
Classification: Uncertain significance for Inborn genetic diseases. Last evaluated: 2023-11-13. Review status: criteria provided, single submitter. Criteria: Ambry Variant Classification Scheme 2023. Collection method: clinical testing. Allele origin: germline.

Blueprint Genetics
Classification: Likely benign. Last evaluated: 2021-06-23. Review status: criteria provided, single submitter. Criteria: ACMG Guidelines, 2015. Collection method: clinical testing. Allele origin: germline.

NM_004385.5(VCAN):c.6283G>A (p.Ala2095Thr)

Genes: VCAN (versican; plus strand), VCAN-AS1 (VCAN antisense RNA 1; minus strand). Cytogenetic location: 5q14.3.
Variant type: single nucleotide variant.
Coding change: c.6283G>A on transcript NM_004385.5 (MANE Select); coding-DNA position 6283, G replaced by A.
Protein change: p.Ala2095Thr; replaces alanine 2095 with threonine.
Molecular consequence: missense variant. On other transcripts: intron variant (2).
Genome position (GRCh38, 1-based): chr5:83,539,286, G>A. VCF-style: chr5-83539286-G-A. GRCh37 (hg19) VCF-style: chr5-82835105-G-A.
Other names: c.3322G>A, p.Ala1108Thr (NM_001164097.2); c.4004-6251G>A (NM_001164098.2); c.1043-6251G>A (NM_001126336.3); short protein forms A1108T, A2095T.
Identifiers: ClinVar variation 847446 (VCV000847446.11), dbSNP rs147425694, ClinGen allele CA3333468.
Genomic context (GRCh38, chr5:83,539,286, plus strand): 5'-AAGGAGGAAGTAAAGGTCAGTGGCACAGTTTCAACAAACTTTCCCCAAACTATAGAGCCA[G>A]CCAAATTATGGTCTAGGCAAGAAGTCAACCCTGTAAGACAAGAAATTGAAAGTGAAACAA-3'
Protein context (NP_004376.2, residues 2085-2105): STNFPQTIEP[Ala2095Thr]KLWSRQEVNP